The following is an entry in ClinVar:

ClinVar aggregate classification (germline): Uncertain significance. Review status: criteria provided, multiple submitters, no conflicts (2 of 4 stars). 2 submissions from 2 submitters: Uncertain significance (2). Last evaluated 2025-12-29.

Allele frequency attached by ClinVar (database versions not stated): ExAC 0.00001; gnomAD 0.00001; TOPMed 0.00001.

Submissions (2):

Labcorp Genetics (formerly Invitae), Labcorp
Classification: Uncertain significance. Last evaluated: 2025-12-29. Review status: criteria provided, single submitter. Criteria: Invitae Variant Classification Sherloc (09022015). Collection method: clinical testing. Allele origin: germline.
Comment: This sequence change replaces serine, which is neutral and polar, with arginine, which is basic and polar, at codon 114 of the ITGAM protein (p.Ser114Arg). This variant is present in population databases (rs767304905, gnomAD 0.06%). This variant has not been reported in the literature in individuals affected with ITGAM-related conditions. ClinVar contains an entry for this variant (Variation ID: 2158695). An algorithm developed to predict the effect of missense changes on protein structure and function outputs the following: PolyPhen-2: "Benign". The arginine amino acid residue is found in multiple mammalian species, which suggests that this missense change does not adversely affect protein function. In summary, the available evidence is currently insufficient to determine the role of this variant in disease. Therefore, it has been classified as a Variant of Uncertain Significance.

Ambry Genetics
Classification: Uncertain significance. Last evaluated: 2025-04-09. Review status: criteria provided, single submitter. Criteria: Ambry Variant Classification Scheme 2023. Collection method: clinical testing. Allele origin: germline.

NM_000632.4(ITGAM):c.342T>A (p.Ser114Arg)

Genes: ITGAM (integrin subunit alpha M; plus strand), LOC126862331 (P300/CBP strongly-dependent group 1 enhancer GRCh37_chr16:31276375-31277574; plus strand). Cytogenetic location: 16p11.2.
Variant type: single nucleotide variant.
Coding change: c.342T>A on transcript NM_000632.4 (MANE Select); coding-DNA position 342, T replaced by A.
Protein change: p.Ser114Arg; replaces serine 114 with arginine.
Molecular consequence: missense variant.
Genome position (GRCh38, 1-based): chr16:31,266,062, T>A. VCF-style: chr16-31266062-T-A. GRCh37 (hg19) VCF-style: chr16-31277383-T-A.
Other names: c.342T>A, p.Ser114Arg (NM_001145808.2); c.342T>A (NM_000632.3); short protein forms S114R.
Identifiers: ClinVar variation 2158695 (VCV002158695.5), dbSNP rs767304905, ClinGen allele CA8025205.